The following is an entry in ClinVar:

NM_001114753.3(ENG):c.967_968del (p.Val323fs)

Gene: ENG (endoglin; minus strand). Cytogenetic location: 9q34.11.
Variant type: Deletion.
Coding change: c.967_968del on transcript NM_001114753.3 (MANE Select); coding-DNA positions 967 to 968, 2 bases deleted (GT; older notation c.967_968delGT).
Protein change: p.Val323fs; shifts the reading frame from valine 323.
Molecular consequence: frameshift variant.
Genome position (GRCh38, 1-based): chr9:127,824,823-127,824,824, AC deleted on the plus strand (GT on the coding strand, the reverse complement: ENG is on the minus strand); deleting any 2 consecutive bases within chr9:127,824,823-127,824,825 gives the same sequence; the c. name uses the placement nearest the transcript's 3' end. VCF-style (leftmost placement, unchanged base first): chr9-127824822-GAC-G. GRCh37 (hg19) VCF-style: chr9-130587101-GAC-G.
Other names: c.967_968delGT (NM_000118.3); c.966_967delTG, p.Val323Leufs (NM_000118.4, NM_001406715.1); c.421_422del, p.Val141fs (NM_001278138.2); short protein forms V141fs, V323fs.
Identifiers: ClinVar variation 983207 (VCV000983207.3), dbSNP rs1830566817, ClinGen allele CA1139661207.

ClinVar aggregate classification (germline): Pathogenic (1 of 4 stars; one submission).

Conditions:
Telangiectasia, hereditary hemorrhagic, type 1 (HHT1). Also called: Osler Weber Rendu syndrome type 1; ENG-Related Hereditary Hemorrhagic Telangiectasia. Identifiers: Orphanet 774, MedGen C4551861, MONDO:0008535, OMIM 187300. Disease mechanism: loss of function.

Submission:

NIHR Bioresource Rare Diseases, University of Cambridge
Classification: Pathogenic for Telangiectasia, hereditary hemorrhagic, type 1. Last evaluated: 2018-01-01. Review status: criteria provided, single submitter. Criteria: ACMG Guidelines, 2015. Collection method: research. Allele origin: unknown. Affected: yes. Observed: 2 variant alleles.
Comment: PVS1+PM2+PP4

Literature cited by the submitters: PubMed 32573726.